The following is an entry in ClinVar:

NM_138576.4(BCL11B):c.2308A>G (p.Thr770Ala)

Gene: BCL11B (BCL11 transcription factor B; minus strand). Cytogenetic location: 14q32.2.
Variant type: single nucleotide variant.
Coding change: c.2308A>G on transcript NM_138576.4 (MANE Select); coding-DNA position 2308, A replaced by G.
Protein change: p.Thr770Ala; replaces threonine 770 with alanine.
Molecular consequence: missense variant.
Genome position (GRCh38, 1-based): chr14:99,174,528, T>C on the plus strand (A>G on the coding strand, the complement: BCL11B is on the minus strand). VCF-style: chr14-99174528-T-C. GRCh37 (hg19) VCF-style: chr14-99640865-T-C.
Other names: c.2305A>G, p.Thr769Ala (NM_001282237.2); c.2092A>G, p.Thr698Ala (NM_001282238.2); c.2095A>G, p.Thr699Ala (NM_022898.3); short protein forms T698A, T699A, T769A, T770A.
Identifiers: ClinVar variation 5020516 (VCV005020516.1).

ClinVar aggregate classification (germline): Uncertain significance (1 of 4 stars; one submission).

gnomAD v4.1: 46 of 1,519,444 alleles (0.003%); highest among the groups gnomAD compares: Non-Finnish European, 0.0041%; no homozygotes.

Submission:

Dasa
Classification: Uncertain significance. Last evaluated: 2026-05-21. Review status: criteria provided, single submitter. Criteria: DASA Assertion Criteria. Collection method: clinical testing. Allele origin: germline.
Comment: NM_138576.4(BCL11B):c.2308A>G (p.Thr770Ala) is a missense variant that results in the substitution of threonine with alanine. This variant is rare in population databases. The currently available literature and clinical evidence are not sufficient to establish a definitive association between this variant and the reported condition. Therefore, this variant is classified as a variant of uncertain significance.